The following is an entry in ClinVar:

ClinVar aggregate classification (germline): Likely benign (0 of 4 stars; one submission).

Conditions:
FUZ-related disorder. Also called: FUZ-related condition.

Allele frequency attached by ClinVar (database versions not stated): TOPMed 0.00006; gnomAD 0.00021; ExAC 0.00049; 1000 Genomes Project 30x 0.00219; 1000 Genomes Project 0.00260.
gnomAD v4.1: 331 of 1,612,772 alleles (0.021%); highest among the groups gnomAD compares: South Asian, 0.32%; 3 homozygotes.

Submission:

PreventionGenetics, part of Exact Sciences
Classification: Likely benign for FUZ-related condition. Last evaluated: 2019-05-20. Review status: no assertion criteria provided. Collection method: clinical testing. Allele origin: germline.
Comment: This variant is classified as likely benign based on ACMG/AMP sequence variant interpretation guidelines (Richards et al. 2015 PMID: 25741868, with internal and published modifications).

NM_025129.5(FUZ):c.319-4C>G

Gene: FUZ (fuzzy planar cell polarity protein; minus strand). Cytogenetic location: 19q13.33.
Variant type: single nucleotide variant.
Coding change: c.319-4C>G on transcript NM_025129.5 (MANE Select); 4 bases into the intron before coding-DNA position 319, C replaced by G.
Molecular consequence: intron variant.
Genome position (GRCh38, 1-based): chr19:49,811,703, G>C on the plus strand (C>G on the coding strand, the complement: FUZ is on the minus strand). VCF-style: chr19-49811703-G-C. GRCh37 (hg19) VCF-style: chr19-50314960-G-C.
Other names: c.169-4C>G (NM_001363663.1); c.211-4C>G (NM_001171937.2); c.319-4C>G (NM_001352262.2).
Identifiers: ClinVar variation 3039517 (VCV003039517.2), dbSNP rs570362032, ClinGen allele CA9584508.
Genomic context (GRCh38, chr19:49,811,703, plus strand): 5'-CTTCAGTCTCTCCACGTTGCGGATATTGGTCAGTTCTTCAAGTCCCACAAGAAGGACCTA[G>C]AAGAATCATATAGGAGAGGATGGGCGAGGGGCTGGGACTTGAACTCCTGGGTCTGAAGGA-3'